The following is an entry in ClinVar:

ClinVar aggregate classification (germline): Likely benign. Review status: criteria provided, single submitter (1 of 4 stars). 2 submissions from 1 submitter: Likely benign (2). Last evaluated 2018-01-13.

Conditions:
Autosomal recessive osteopetrosis 7. Identifiers: Orphanet 178389, MedGen C2676766, MONDO:0012859, OMIM 612301.
Paget disease of bone 2, early-onset (PDB2). Also called: Paget disease of bone 2. Identifiers: MedGen C4085251, MONDO:0011183, OMIM 602080.

Allele frequency attached by ClinVar (database versions not stated): 1000 Genomes Project 0.00120.

Submissions (2):

Illumina Laboratory Services, Illumina
Classification: Likely benign for Autosomal recessive osteopetrosis 7. Last evaluated: 2018-01-13. Review status: criteria provided, single submitter. Criteria: ICSL Variant Classification Criteria 13 December 2019. Collection method: clinical testing. Allele origin: germline.
Comment: This variant was observed in the ICSL laboratory as part of a predisposition screen in an ostensibly healthy population. It had not been previously curated by ICSL or reported in the Human Gene Mutation Database (HGMD: prior to June 1st, 2018), and was therefore a candidate for classification through an automated scoring system. Utilizing variant allele frequency, disease prevalence and penetrance estimates, and inheritance mode, an automated score was calculated to assess if this variant is too frequent to cause the disease. Based on the score and internal cut-off values, a variant classified as likely benign is not then subjected to further curation. The score for this variant resulted in a classification of likely benign for this disease.

Illumina Laboratory Services, Illumina
Classification: Likely benign for Paget disease of bone 2, early-onset. Last evaluated: 2018-01-13. Review status: criteria provided, single submitter. Criteria: ICSL Variant Classification Criteria 13 December 2019. Collection method: clinical testing. Allele origin: germline.
Comment: the same text as in the submission from Illumina Laboratory Services, Illumina above.

NM_003839.4(TNFRSF11A):c.*633C>G

Gene: TNFRSF11A (TNF receptor superfamily member 11a; plus strand). Cytogenetic location: 18q21.33.
Variant type: single nucleotide variant.
Coding change: c.*633C>G on transcript NM_003839.4 (MANE Select); 633 bases downstream of the stop codon, C replaced by G.
Molecular consequence: 3 prime UTR variant.
Genome position (GRCh38, 1-based): chr18:62,385,667, C>G. VCF-style: chr18-62385667-C-G. GRCh37 (hg19) VCF-style: chr18-60052900-C-G.
Other names: c.*908C>G (NM_001270949.2); c.*633C>G (NM_001270950.2, NM_001270951.2, NM_001278268.2).
Identifiers: ClinVar variation 892488 (VCV000892488.4), dbSNP rs184568614, ClinGen allele CA301715430.